The following is an entry in ClinVar:

ClinVar aggregate classification (germline): Pathogenic (1 of 4 stars; one submission).

Conditions:
McKusick-Kaufman syndrome (MKKS). Also called: HYDROMETROCOLPOS SYNDROME; HYDROMETROCOLPOS, POSTAXIAL POLYDACTYLY, AND CONGENITAL HEART MALFORMATION. Identifiers: Orphanet 2473, MedGen C0948368, MONDO:0009367, OMIM 236700.
Bardet-Biedl syndrome (BBS). Identifiers: Orphanet 110, MedGen C0752166, MONDO:0015229.

Submission:

Labcorp Genetics (formerly Invitae), Labcorp
Classification: Pathogenic for McKusick-Kaufman syndrome; Bardet-Biedl syndrome. Last evaluated: 2023-11-13. Review status: criteria provided, single submitter. Criteria: Invitae Variant Classification Sherloc (09022015). Collection method: clinical testing. Allele origin: germline.
Comment: This sequence change creates a premature translational stop signal (p.Cys152Trpfs*6) in the MKKS gene. It is expected to result in an absent or disrupted protein product. Loss-of-function variants in MKKS are known to be pathogenic (PMID: 11179009, 28761321, 30614526). This variant is not present in population databases (gnomAD no frequency). This variant has not been reported in the literature in individuals affected with MKKS-related conditions. For these reasons, this variant has been classified as Pathogenic.

Literature cited by the submitters: PubMed 11179009; PubMed 28761321; PubMed 30614526.

NM_170784.3(MKKS):c.456_459del (p.Cys152fs)

Gene: MKKS (MKKS centrosomal shuttling protein; minus strand). Cytogenetic location: 20p12.2.
Variant type: Microsatellite.
Coding change: c.456_459del on transcript NM_170784.3 (MANE Select); coding-DNA positions 456 to 459, 4 bases deleted (TTTG; older notation c.456_459delTTTG).
Protein change: p.Cys152fs; shifts the reading frame from cysteine 152.
Molecular consequence: frameshift variant.
Genome position (GRCh38, 1-based): chr20:10,413,056-10,413,059, CAAA deleted on the plus strand (TTTG on the coding strand, the reverse complement: MKKS is on the minus strand); deleting any 4 consecutive bases within chr20:10,413,056-10,413,063 gives the same sequence; the c. name uses the placement nearest the transcript's 3' end. VCF-style (leftmost placement, unchanged base first): chr20-10413055-CCAAA-C. GRCh37 (hg19) VCF-style: chr20-10393703-CCAAA-C.
Other names: c.456_459del, p.Cys152fs (NM_018848.3); short protein forms C152fs.
Identifiers: ClinVar variation 2927076 (VCV002927076.3), dbSNP rs2064905664, ClinGen allele CA2349780940.